The following is an entry in ClinVar:

ClinVar aggregate classification (germline): Uncertain significance. Review status: criteria provided, multiple submitters, no conflicts (2 of 4 stars). 4 submissions from 4 submitters: Uncertain significance (3). 1 of the submissions does not count toward it. Last evaluated 2024-02-29.

Conditions:
Hereditary cancer-predisposing syndrome. Also called: Hereditary Cancer Syndrome; Tumor predisposition; Neoplastic Syndromes, Hereditary; Hereditary neoplastic syndrome. Identifiers: Orphanet 140162, MedGen C0027672, MeSH D009386, MONDO:0015356.
Fanconi anemia (FA). Also called: Fanconi's anemia. Identifiers: Orphanet 84, MedGen C0015625, MeSH D005199, MONDO:0019391.

Allele frequency attached by ClinVar (database versions not stated): gnomAD exomes below 0.00001.
gnomAD v4.1: 3 of 1,614,094 alleles (0.00019%); highest among the groups gnomAD compares: Non-Finnish European, 0.00025%; no homozygotes.

Submissions (4):

Ambry Genetics
Classification: Uncertain significance for Hereditary cancer-predisposing syndrome. Last evaluated: 2024-02-29. Review status: criteria provided, single submitter. Criteria: Ambry Variant Classification Scheme 2023. Collection method: clinical testing. Allele origin: germline.
Comment: The p.W533G variant (also known as c.1597T>G), located in coding exon 14 of the FANCC gene, results from a T to G substitution at nucleotide position 1597. The tryptophan at codon 533 is replaced by glycine, an amino acid with highly dissimilar properties. This amino acid position is conserved. In addition, this alteration is predicted to be tolerated by in silico analysis. Since supporting evidence is limited at this time, the clinical significance of this alteration remains unclear.

GeneDx
Classification: Uncertain significance. Last evaluated: 2023-06-02. Review status: criteria provided, single submitter. Criteria: GeneDx Variant Classification Process June 2021. Collection method: clinical testing. Allele origin: germline. Affected: yes.
Comment: Not observed at significant frequency in large population cohorts (gnomAD); In silico analysis supports that this missense variant has a deleterious effect on protein structure/function; Has not been previously published as pathogenic or benign to our knowledge; This variant is associated with the following publications: (PMID: Gordon2000[Book])

Labcorp Genetics (formerly Invitae), Labcorp
Classification: Uncertain significance for Fanconi anemia. Last evaluated: 2022-10-08. Review status: criteria provided, single submitter. Criteria: Invitae Variant Classification Sherloc (09022015). Collection method: clinical testing. Allele origin: germline.
Comment: This variant has not been reported in the literature in individuals affected with FANCC-related conditions. In summary, the available evidence is currently insufficient to determine the role of this variant in disease. Therefore, it has been classified as a Variant of Uncertain Significance. Advanced modeling of protein sequence and biophysical properties (such as structural, functional, and spatial information, amino acid conservation, physicochemical variation, residue mobility, and thermodynamic stability) has been performed at Invitae for this missense variant, however the output from this modeling did not meet the statistical confidence thresholds required to predict the impact of this variant on FANCC protein function. ClinVar contains an entry for this variant (Variation ID: 182491). This variant is not present in population databases (gnomAD no frequency). This sequence change replaces tryptophan, which is neutral and slightly polar, with glycine, which is neutral and non-polar, at codon 533 of the FANCC protein (p.Trp533Gly).

Natera, Inc.
Classification: Uncertain significance for Fanconi anemia. Last evaluated: 2018-01-14. Review status: no assertion criteria provided. Collection method: clinical testing. Allele origin: germline. Not counted in ClinVar's aggregate classification.

NM_000136.3(FANCC):c.1597T>G (p.Trp533Gly)

Genes: AOPEP (aminopeptidase O (putative); plus strand), FANCC (FA complementation group C; minus strand). Cytogenetic location: 9q22.32.
Variant type: single nucleotide variant.
Coding change: c.1597T>G on transcript NM_000136.3 (MANE Select); coding-DNA position 1597, T replaced by G.
Protein change: p.Trp533Gly; replaces tryptophan 533 with glycine.
Molecular consequence: missense variant.
Genome position (GRCh38, 1-based): chr9:95,101,787, A>C on the plus strand (T>G on the coding strand, the complement: FANCC is on the minus strand). VCF-style: chr9-95101787-A-C. GRCh37 (hg19) VCF-style: chr9-97864069-A-C.
Other names: p.W533G:TGG>GGG; c.1597T>G, p.Trp533Gly (NM_001243743.2); short protein forms W533G.
Identifiers: ClinVar variation 182491 (VCV000182491.11), dbSNP rs730881728, ClinGen allele CA299200.